The following is an entry in ClinVar:

ClinVar aggregate classification (germline): Uncertain significance. Review status: criteria provided, multiple submitters, no conflicts (2 of 4 stars). 2 submissions from 2 submitters: Uncertain significance (2). Last evaluated 2025-10-03.

Allele frequency attached by ClinVar (database versions not stated): TOPMed 0.00001.
gnomAD v4.1: 39 of 1,573,552 alleles (0.0025%); highest among the groups gnomAD compares: Non-Finnish European, 0.0034%; no homozygotes.

Submissions (2):

Ambry Genetics
Classification: Uncertain significance. Last evaluated: 2025-10-03. Review status: criteria provided, single submitter. Criteria: Ambry Variant Classification Scheme 2023. Collection method: clinical testing. Allele origin: germline.

Labcorp Genetics (formerly Invitae), Labcorp
Classification: Uncertain significance. Last evaluated: 2024-02-10. Review status: criteria provided, single submitter. Criteria: Invitae Variant Classification Sherloc (09022015). Collection method: clinical testing. Allele origin: germline.
Comment: This sequence change replaces arginine, which is basic and polar, with glutamine, which is neutral and polar, at codon 289 of the KCNK4 protein (p.Arg289Gln). This variant is not present in population databases (gnomAD no frequency). This variant has not been reported in the literature in individuals affected with KCNK4-related conditions. ClinVar contains an entry for this variant (Variation ID: 2321753). An algorithm developed to predict the effect of missense changes on protein structure and function (PolyPhen-2) suggests that this variant is likely to be disruptive. In summary, the available evidence is currently insufficient to determine the role of this variant in disease. Therefore, it has been classified as a Variant of Uncertain Significance.

NM_033310.3(KCNK4):c.866G>A (p.Arg289Gln)

Genes: KCNK4 (potassium two pore domain channel subfamily K member 4; plus strand), KCNK4-CATSPERZ (KCNK4-CATSPERZ readthrough (NMD candidate); plus strand). Cytogenetic location: 11q13.1.
Variant type: single nucleotide variant.
Coding change: c.866G>A on transcript NM_033310.3 (MANE Select); coding-DNA position 866, G replaced by A.
Protein change: p.Arg289Gln; replaces arginine 289 with glutamine.
Molecular consequence: missense variant. On other transcripts: non-coding transcript variant (3).
Genome position (GRCh38, 1-based): chr11:64,299,410, G>A. VCF-style: chr11-64299410-G-A. GRCh37 (hg19) VCF-style: chr11-64066882-G-A.
Other names: c.866G>A, p.Arg289Gln (NM_001317090.2, NM_033311.1); short protein forms R289Q.
Identifiers: ClinVar variation 2321753 (VCV002321753.6), dbSNP rs1044774283, ClinGen allele CA223824411.
Genomic context (GRCh38, chr11:64,299,410, plus strand): 5'-GCGGCCTCACGGCTCAGGCTGCCAGCTGGACTGGCACGGTGACAGCGCGCGTGACCCAGC[G>A]AGCCGGGCCCGCCGCCCCGCCGCCGGAGAAGGAGCAGCCACTGCTGCCTCCACCGCCCTG-3'
Protein context (NP_201567.1, residues 279-299): TGTVTARVTQ[Arg289Gln]AGPAAPPPEK